The following is an entry in ClinVar:

NM_000218.3(KCNQ1):c.1394-8623C>T

Genes: KCNQ1 (potassium voltage-gated channel subfamily Q member 1; plus strand), KCNQ1OT1 (KCNQ1 opposite strand/antisense transcript 1; minus strand). Cytogenetic location: 11p15.5.
Variant type: single nucleotide variant.
Coding change: c.1394-8623C>T on transcript NM_000218.3 (MANE Select); 8623 bases into the intron before coding-DNA position 1394, C replaced by T.
Molecular consequence: intron variant. On other transcripts: non-coding transcript variant (1).
Genome position (GRCh38, 1-based): chr11:2,653,338, C>T. VCF-style: chr11-2653338-C-T. GRCh37 (hg19) VCF-style: chr11-2674568-C-T.
Other names: c.1124-8623C>T (NM_001406837.1); c.1298-8623C>T (NM_001406836.1); c.854-8623C>T (NM_001406838.1); c.1013-8623C>T (NM_181798.2).
Identifiers: ClinVar variation 3054336 (VCV003054336.2), dbSNP rs186052905, ClinGen allele CA216164737.

ClinVar aggregate classification (germline): Likely benign (0 of 4 stars; one submission).

Conditions:
KCNQ1-related disorder. Also called: KCNQ1-related condition; KCNQ1-related disorders. Identifiers: MedGen CN239322.

Allele frequency attached by ClinVar (database versions not stated): gnomAD 0.00001; TOPMed 0.00001; gnomAD exomes 0.00002; 1000 Genomes Project 30x 0.00016; 1000 Genomes Project 0.00020.
gnomAD v4.1: 6 of 398,742 alleles (0.0015%); highest among the groups gnomAD compares: Admixed American, 0.0088%; no homozygotes.

Submission:

PreventionGenetics, part of Exact Sciences
Classification: Likely benign for KCNQ1-related condition. Last evaluated: 2023-09-05. Review status: no assertion criteria provided. Collection method: clinical testing. Allele origin: germline.
Comment: This variant is classified as likely benign based on ACMG/AMP sequence variant interpretation guidelines (Richards et al. 2015 PMID: 25741868, with internal and published modifications).